The following is an entry in ClinVar:

ClinVar aggregate classification (germline): Uncertain significance (1 of 4 stars; one submission).

gnomAD v4.1: 2 of 1,575,312 alleles (0.00013%); highest among the groups gnomAD compares: Non-Finnish European, 0.00017%; no homozygotes.

Submission:

Ambry Genetics
Classification: Uncertain significance. Last evaluated: 2024-11-30. Review status: criteria provided, single submitter. Criteria: Ambry Variant Classification Scheme 2023. Collection method: clinical testing. Allele origin: germline.
Comment: The p.P391T variant (also known as c.1171C>A), located in coding exon 8 of the RNF43 gene, results from a C to A substitution at nucleotide position 1171. The proline at codon 391 is replaced by threonine, an amino acid with highly similar properties. This amino acid position is conserved. In addition, this alteration is predicted to be tolerated by in silico analysis. Based on the available evidence, the clinical significance of this variant remains unclear.

NM_017763.6(RNF43):c.1171C>A (p.Pro391Thr)

Gene: RNF43 (ring finger protein 43; minus strand). Cytogenetic location: 17q22.
Variant type: single nucleotide variant.
Coding change: c.1171C>A on transcript NM_017763.6 (MANE Select); coding-DNA position 1171, C replaced by A.
Protein change: p.Pro391Thr; replaces proline 391 with threonine.
Molecular consequence: missense variant.
Genome position (GRCh38, 1-based): chr17:58,358,605, G>T on the plus strand (C>A on the coding strand, the complement: RNF43 is on the minus strand). VCF-style: chr17-58358605-G-T. GRCh37 (hg19) VCF-style: chr17-56435966-G-T.
Other names: c.1171C>A, p.Pro391Thr (NM_001305544.3); c.790C>A, p.Pro264Thr (NM_001305545.2); short protein forms P391T, P264T.
Identifiers: ClinVar variation 3434529 (VCV003434529.1).